The following is an entry in ClinVar:

NM_000419.5(ITGA2B):c.959T>C (p.Phe320Ser)

Gene: ITGA2B (integrin subunit alpha 2b; minus strand). Cytogenetic location: 17q21.31.
Variant type: single nucleotide variant.
Coding change: c.959T>C on transcript NM_000419.5 (MANE Select); coding-DNA position 959, T replaced by C.
Protein change: p.Phe320Ser; replaces phenylalanine 320 with serine.
Molecular consequence: missense variant.
Genome position (GRCh38, 1-based): chr17:44,383,933, A>G on the plus strand (T>C on the coding strand, the complement: ITGA2B is on the minus strand). VCF-style: chr17-44383933-A-G. GRCh37 (hg19) VCF-style: chr17-42461301-A-G.
Other names: NM_000419.5:c.959T>C; short protein forms F320S.
Identifiers: ClinVar variation 2581082 (VCV002581082.1), dbSNP rs2510082644, ClinGen allele CA399804774.

ClinVar aggregate classification (germline): Likely pathogenic (3 of 4 stars; one submission).

Conditions:
Glanzmann thrombasthenia. Also called: BLEEDING DISORDER, PLATELET-TYPE, 2; THROMBASTHENIA OF GLANZMANN AND NAEGELI; Thrombasthenia; PLATELET GLYCOPROTEIN IIb-IIIa DEFICIENCY; Glanzmann's thrombasthenia. Identifiers: Orphanet 849, MedGen C0040015, MONDO:0100326.

Allele frequency attached by ClinVar (database versions not stated): gnomAD exomes below 0.00001.
gnomAD v4.1: 1 of 1,614,018 alleles (0.000062%); highest among the groups gnomAD compares: East Asian, 0.0022%; no homozygotes.

Submission:

ClinGen Platelet Disorders Variant Curation Expert Panel, ClinGen
Classification: Likely pathogenic for Glanzmann thrombasthenia. Last evaluated: 2023-08-15. Review status: reviewed by expert panel. Criteria: ClinGen Platelet ACMG Specifications v2-1. Collection method: curation. Allele origin: germline. Inheritance: Autosomal recessive inheritance.
Comment: The NM_000419.5(ITGA2B):c.959T>C variant in ITGA2B is a missense variant predicted to cause substitution of Phenylalanine by Serine at amino acid 320 (p.Phe320Ser). At least one patient (Patient 1 in PMID: 9722314) with this variant displayed mucocutaneous bleeding and impaired aggregation with all agonists except ristocetin, which is highly specific for Glanzmann thrombasthenia. Additionally, αIIbβ3 surface expression was reduced to <5% of normal, as measured by flow cytometry (PP4_Moderate). Surface expression of αIIbβ3 measured by flow cytometry in CHO cells transiently co-transfected with c.959T>C (p.Phe320Ser) variant αIIb and wild type β3 showed decreased expression at 3% WT levels, indicating that this variant impacts protein function (PMID: 9722314)(PS3). The computational predictor REVEL gives a score of 0.885, which is above the ClinGen PD VCEP threshold of >0.7 and predicts a damaging effect on function (PP3). This variant is absent from gnomAD v2.1.1 (PM2_Supporting). In summary, this variant meets the criteria to be classified as Likely Pathogenic for autosomal recessive Glanzmann Thrombasthenia based on the ACMG/AMP criteria applied, as specified by the ClinGen PD VCEP: PS3, PP4_Moderate, PP3 and PM2_Supporting (VCEP specifications version 2).